The following is an entry in ClinVar:

NM_001165963.4(SCN1A):c.1072C>T (p.Pro358Ser)

Gene: SCN1A (sodium voltage-gated channel alpha subunit 1; minus strand). Cytogenetic location: 2q24.3.
Variant type: single nucleotide variant.
Coding change: c.1072C>T on transcript NM_001165963.4 (MANE Select); coding-DNA position 1072, C replaced by T.
Protein change: p.Pro358Ser; replaces proline 358 with serine.
Molecular consequence: missense variant. On other transcripts: 5 prime UTR variant (1), non-coding transcript variant (1).
Genome position (GRCh38, 1-based): chr2:166,047,725, G>A on the plus strand (C>T on the coding strand, the complement: SCN1A is on the minus strand). VCF-style: chr2-166047725-G-A. GRCh37 (hg19) VCF-style: chr2-166904235-G-A.
Other names: c.1072C>T, p.Pro358Ser (NM_001165964.3, NM_001202435.3, NM_001353948.2 and 10 more transcripts); c.-1354C>T (NM_001353961.2); short protein forms P358S.
Identifiers: ClinVar variation 189872 (VCV000189872.2), dbSNP rs121917923, ClinGen allele CA303166.

ClinVar aggregate classification (germline): Pathogenic. Review status: criteria provided, multiple submitters, no conflicts (2 of 4 stars). 2 submissions from 2 submitters: Pathogenic (2). Last evaluated 2014-12-20.

Conditions:
Developmental and epileptic encephalopathy, 6A. Also called: Developmental and epileptic encephalopathy, 6; SCN1A-Related Severe Myoclonic Epilepsy in Infancy; Early Infantile Epileptic Encephalopathy 6. Identifiers: MedGen CN293401, MONDO:0100079.
Severe myoclonic epilepsy in infancy (DRVT). Also called: Epileptic encephalopathy, early infantile, 6 (Dravet syndrome); SEVERE MYOCLONIC EPILEPSY OF INFANCY; DEVELOPMENTAL AND EPILEPTIC ENCEPHALOPATHY 6A; Severe Myoclonic Epilepsy in Infancy (SMEI); Dravet syndrome. Identifiers: Orphanet 33069, MedGen C0751122, MONDO:0100135, OMIM 607208.

Submissions (2):

Center for Bioinformatics, Peking University
Classification: Pathogenic for Dravet syndrome. Last evaluated: 2014-12-20. Review status: criteria provided, single submitter. Criteria: Xu et al. (Hum Mutat. 2015). Collection method: research. Allele origin: de novo. Affected: yes. Observed: 1 variant allele. Study: University Clinical Cooperation “985 Project” PKU-2014-1-1.
Comment: Dravet syndrome (DS) probands were recruited from the outpatient and inpatient child neurology units of Peking University First Hospital from 2005 till present. The study was approved by the Ethics Committee of Peking University First Hospital and the Institutional Review Board at Peking University. Participants or their parents provided written informed consent before enrollment. We collected a total of 267 mutations from 255 families with probands diagnosed with DS in China. All probands fulfilled the clinical diagnostic criteria.

Pediatric Department, Xiangya Hospital, Central South University
Classification: Pathogenic for Developmental and epileptic encephalopathy 6. Review status: criteria provided, single submitter. Criteria: ACMG Guidelines, 2015. Collection method: research. Allele origin: de novo. Affected: yes.